The following is an entry in ClinVar:

NM_000384.3(APOB):c.8149G>C (p.Ala2717Pro)

Gene: APOB (apolipoprotein B; minus strand). Cytogenetic location: 2p24.1.
Variant type: single nucleotide variant.
Coding change: c.8149G>C on transcript NM_000384.3 (MANE Select); coding-DNA position 8149, G replaced by C.
Protein change: p.Ala2717Pro; replaces alanine 2717 with proline.
Molecular consequence: missense variant.
Genome position (GRCh38, 1-based): chr2:21,008,719, C>G on the plus strand (G>C on the coding strand, the complement: APOB is on the minus strand). VCF-style: chr2-21008719-C-G. GRCh37 (hg19) VCF-style: chr2-21231591-C-G.
Other names: short protein forms A2717P.
Identifiers: ClinVar variation 3231461 (VCV003231461.1), dbSNP rs753292024, ClinGen allele CA345995338.

ClinVar aggregate classification (germline): Uncertain significance (1 of 4 stars; one submission).

Conditions:
Cardiovascular phenotype. Identifiers: MedGen CN230736.

Submission:

Ambry Genetics
Classification: Uncertain significance for Cardiovascular phenotype. Last evaluated: 2024-03-10. Review status: criteria provided, single submitter. Criteria: Ambry Variant Classification Scheme 2023. Collection method: clinical testing. Allele origin: germline.
Comment: The p.A2717P variant (also known as c.8149G>C), located in coding exon 26 of the APOB gene, results from a G to C substitution at nucleotide position 8149. The alanine at codon 2717 is replaced by proline, an amino acid with highly similar properties. This amino acid position is conserved. In addition, this alteration is predicted to be tolerated by in silico analysis. Based on the available evidence, the clinical significance of this alteration remains unclear.